The following is an entry in ClinVar:

NM_006493.4(CLN5):c.928C>G (p.Gln310Glu)

Gene: CLN5 (CLN5 lysosomal BMP synthase; plus strand). Cytogenetic location: 13q22.3.
Variant type: single nucleotide variant.
Coding change: c.928C>G on transcript NM_006493.4 (MANE Select); coding-DNA position 928, C replaced by G.
Protein change: p.Gln310Glu; replaces glutamine 310 with glutamic acid.
Molecular consequence: missense variant. On other transcripts: 3 prime UTR variant (1).
Genome position (GRCh38, 1-based): chr13:77,000,820, C>G. VCF-style: chr13-77000820-C-G. GRCh37 (hg19) VCF-style: chr13-77574955-C-G.
Other names: p.Gln310Glu; c.*377C>G (NM_001366624.2); short protein forms Q359E, Q310E.
Identifiers: ClinVar variation 2027454 (VCV002027454.2), dbSNP rs371365721, ClinGen allele CA7007273.
Genomic context (GRCh38, chr13:77,000,820, plus strand): 5'-AGATTTTATTACCCCTTCAAACCACATTTGCCAACTAAAGAATTTCTGTTGAGTCTCTTG[C>G]AAATTTTTGATGCAGTGATTGTGCACAAACAGTTCTATTTGTTTTATAATTTTGAATATT-3'
Protein context (NP_006484.2, residues 300-320): PTKEFLLSLL[Gln310Glu]IFDAVIVHKQ

ClinVar aggregate classification (germline): Uncertain significance. Review status: criteria provided, multiple submitters, no conflicts (2 of 4 stars). 2 submissions from 2 submitters: Uncertain significance (2). Last evaluated 2023-09-12.

Conditions:
Neuronal ceroid lipofuscinosis. Also called: Neuronal Ceroid Lipofuscinoses. Identifiers: Orphanet 216, Orphanet 79263, MedGen C0027877, MONDO:0016295. Disease mechanism: loss of function.

Allele frequency attached by ClinVar (database versions not stated): ExAC 0.00001; TOPMed 0.00001; ESP Exome Variant Server 0.00008.

Submissions (2):

Mayo Clinic Laboratories, Mayo Clinic
Classification: Uncertain significance. Last evaluated: 2023-09-12. Review status: criteria provided, single submitter. Criteria: ACMG Guidelines, 2015. Collection method: clinical testing. Allele origin: germline. Observed: 1 variant allele.
Comment: BP4, PM2_moderate

Labcorp Genetics (formerly Invitae), Labcorp
Classification: Uncertain significance for Neuronal ceroid lipofuscinosis. Last evaluated: 2022-03-13. Review status: criteria provided, single submitter. Criteria: Invitae Variant Classification Sherloc (09022015). Collection method: clinical testing. Allele origin: germline.
Comment: This sequence change replaces glutamine, which is neutral and polar, with glutamic acid, which is acidic and polar, at codon 359 of the CLN5 protein (p.Gln359Glu). This variant is present in population databases (rs371365721, gnomAD 0.0009%). This variant has not been reported in the literature in individuals affected with CLN5-related conditions. Algorithms developed to predict the effect of missense changes on protein structure and function output the following: SIFT: "Tolerated"; PolyPhen-2: "Benign"; Align-GVGD: "Class C0". The glutamic acid amino acid residue is found in multiple mammalian species, which suggests that this missense change does not adversely affect protein function. In summary, the available evidence is currently insufficient to determine the role of this variant in disease. Therefore, it has been classified as a Variant of Uncertain Significance.